The following is an entry in ClinVar:

ClinVar aggregate classification (germline): Uncertain significance (1 of 4 stars; one submission).

gnomAD v4.1: 2 of 1,613,874 alleles (0.00012%); highest among the groups gnomAD compares: East Asian, 0.0022%; no homozygotes.

Submission:

Labcorp Genetics (formerly Invitae), Labcorp
Classification: Uncertain significance. Last evaluated: 2024-11-19. Review status: criteria provided, single submitter. Criteria: Invitae Variant Classification Sherloc (09022015). Collection method: clinical testing. Allele origin: germline.
Comment: This sequence change replaces valine, which is neutral and non-polar, with methionine, which is neutral and non-polar, at codon 932 of the CACNA2D4 protein (p.Val932Met). This variant is present in population databases (rs556558705, gnomAD 0.006%). This variant has not been reported in the literature in individuals affected with CACNA2D4-related conditions. An algorithm developed to predict the effect of missense changes on protein structure and function (PolyPhen-2) suggests that this variant is likely to be disruptive. In summary, the available evidence is currently insufficient to determine the role of this variant in disease. Therefore, it has been classified as a Variant of Uncertain Significance.

NM_172364.5(CACNA2D4):c.2794G>A (p.Val932Met)

Gene: CACNA2D4 (calcium voltage-gated channel auxiliary subunit alpha2delta 4; minus strand). Cytogenetic location: 12p13.33.
Variant type: single nucleotide variant.
Coding change: c.2794G>A on transcript NM_172364.5 (MANE Select); coding-DNA position 2794, G replaced by A.
Protein change: p.Val932Met; replaces valine 932 with methionine.
Molecular consequence: missense variant.
Genome position (GRCh38, 1-based): chr12:1,801,117, C>T on the plus strand (G>A on the coding strand, the complement: CACNA2D4 is on the minus strand). VCF-style: chr12-1801117-C-T. GRCh37 (hg19) VCF-style: chr12-1910283-C-T.
Other names: short protein forms V932M.
Identifiers: ClinVar variation 3683593 (VCV003683593.2).